The following is an entry in ClinVar:

NM_033305.3(VPS13A):c.2693T>C (p.Val898Ala)

Gene: VPS13A (vacuolar protein sorting 13 homolog A; plus strand). Cytogenetic location: 9q21.2.
Variant type: single nucleotide variant.
Coding change: c.2693T>C on transcript NM_033305.3 (MANE Select); coding-DNA position 2693, T replaced by C.
Protein change: p.Val898Ala; replaces valine 898 with alanine.
Molecular consequence: missense variant.
Genome position (GRCh38, 1-based): chr9:77,276,090, T>C. VCF-style: chr9-77276090-T-C. GRCh37 (hg19) VCF-style: chr9-79891006-T-C.
Other names: p.Val898Ala; c.2693T>C, p.Val898Ala (NM_001018037.2, NM_001018038.3, NM_015186.4); short protein forms V898A.
Identifiers: ClinVar variation 912387 (VCV000912387.24), dbSNP rs78048112, ClinGen allele CA5092024.
Genomic context (GRCh38, chr9:77,276,090, plus strand): 5'-ATGTAGTGGTAATTTCTTTTTTCTTTCTTCTCCAGGTTTTGATCGAGTTTTATCACCTTG[T>C]TGGAGATTGTGAACTATCTGTGGTAGAAATTCTTGTTTTAGGATTGGGTGCAGAAATTGA-3'
Protein context (NP_150648.2, residues 888-908): PKVLIEFYHL[Val898Ala]GDCELSVVEI

ClinVar aggregate classification (germline): Benign/Likely benign. Review status: criteria provided, multiple submitters, no conflicts (2 of 4 stars). 8 submissions from 8 submitters: Benign (3); Likely benign (3). 2 of the submissions do not count toward it. Last evaluated 2026-02-04.

Conditions:
VPS13A-related neurodegenerative disease. Also called: Choreoacanthocytosis; Chorea-acanthocytosis; Choreaacanthocytosis; LEVINE-CRITCHLEY SYNDROME; VPS13A Disease; ACANTHOCYTOSIS WITH NEUROLOGIC DISORDER. Identifiers: Orphanet 2388, MedGen C0393576, MONDO:0008695, OMIM 200150.
VPS13A-related disorder. Also called: VPS13A-related condition.

Allele frequency attached by ClinVar (database versions not stated): 1000 Genomes Project 30x 0.01062; 1000 Genomes Project 0.01158; TOPMed 0.01785; gnomAD 0.01849 and 0.01850; gnomAD exomes 0.01954 and 0.02749; ExAC 0.02006; ESP Exome Variant Server 0.02322.
gnomAD v4.1: 42,874 of 1,612,970 alleles (2.7%); highest among the groups gnomAD compares: Non-Finnish European, 3.1%; 704 homozygotes.

Submissions (8):

Labcorp Genetics (formerly Invitae), Labcorp
Classification: Benign. Last evaluated: 2026-02-04. Review status: criteria provided, single submitter. Criteria: Invitae Variant Classification Sherloc (09022015). Collection method: clinical testing. Allele origin: germline.

Blueprint Genetics
Classification: Likely benign. Last evaluated: 2024-11-27. Review status: criteria provided, single submitter. Criteria: ACMG Guidelines, 2015. Collection method: clinical testing. Allele origin: germline.

Mayo Clinic Laboratories, Mayo Clinic
Classification: Benign. Last evaluated: 2023-02-02. Review status: criteria provided, single submitter. Criteria: ACMG Guidelines, 2015. Collection method: clinical testing. Allele origin: germline. Observed: 36 variant alleles.
Comment: BS1, BS2, BP4

GeneDx
Classification: Likely benign. Last evaluated: 2021-10-01. Review status: criteria provided, single submitter. Criteria: GeneDx Variant Classification Process June 2021. Collection method: clinical testing. Allele origin: germline. Affected: yes.

Illumina Laboratory Services, Illumina
Classification: Benign for VPS13A-related neurodegenerative disease. Last evaluated: 2018-01-13. Review status: criteria provided, single submitter. Criteria: ICSL Variant Classification Criteria 13 December 2019. Collection method: clinical testing. Allele origin: germline.
Comment: This variant was observed in the ICSL laboratory as part of a predisposition screen in an ostensibly healthy population. It had not been previously curated by ICSL or reported in the Human Gene Mutation Database (HGMD: prior to June 1st, 2018), and was therefore a candidate for classification through an automated scoring system. Utilizing variant allele frequency, disease prevalence and penetrance estimates, and inheritance mode, an automated score was calculated to assess if this variant is too frequent to cause the disease. Based on the score and internal cut-off values, a variant classified as benign is not then subjected to further curation. The score for this variant resulted in a classification of benign for this disease.

Breakthrough Genomics
Classification: Likely benign. Review status: criteria provided, single submitter. Criteria: ACMG Guidelines, 2015. Collection method: not provided. Allele origin: germline. Inheritance: Autosomal recessive inheritance. Affected: yes.

Natera, Inc.
Classification: Benign for Choreaacanthocytosis. Last evaluated: 2019-10-17. Review status: no assertion criteria provided. Collection method: clinical testing. Allele origin: germline. Not counted in ClinVar's aggregate classification.

PreventionGenetics, part of Exact Sciences
Classification: Benign for VPS13A-related condition. Last evaluated: 2019-06-06. Review status: no assertion criteria provided. Collection method: clinical testing. Allele origin: germline. Not counted in ClinVar's aggregate classification.
Comment: This variant is classified as benign based on ACMG/AMP sequence variant interpretation guidelines (Richards et al. 2015 PMID: 25741868, with internal and published modifications).